The following is an entry in ClinVar:

ClinVar aggregate classification (germline): Pathogenic (1 of 4 stars; one submission).

Submission:

Labcorp Genetics (formerly Invitae), Labcorp
Classification: Pathogenic. Last evaluated: 2020-05-13. Review status: criteria provided, single submitter. Criteria: Invitae Variant Classification Sherloc (09022015). Collection method: clinical testing. Allele origin: germline.
Comment: For these reasons, this variant has been classified as Pathogenic. Loss-of-function variants in VPS13A are known to be pathogenic (PMID: 12404112, 21598378). This nonsense change has been observed in individual(s) with choreoacanthocytosis (PMID: 21598378). It has also been observed to segregate with disease in related individuals. This variant is not present in population databases (ExAC no frequency). This sequence change creates a premature translational stop signal (p.Trp435*) in the VPS13A gene. It is expected to result in an absent or disrupted protein product.

Literature cited by the submitters: PubMed 12404112; PubMed 21598378.

NM_033305.3(VPS13A):c.1304_1313del (p.Leu434_Trp435insTer)

Gene: VPS13A (vacuolar protein sorting 13 homolog A; plus strand). Cytogenetic location: 9q21.2.
Variant type: Deletion.
Coding change: c.1304_1313del on transcript NM_033305.3 (MANE Select); coding-DNA positions 1304 to 1313, 10 bases deleted (GGTCTTGGTC; older notation c.1304_1313delGGTCTTGGTC).
Protein change: p.Leu434_Trp435insTer.
Molecular consequence: nonsense.
Genome position (GRCh38, 1-based): chr9:77,226,545-77,226,554, GGTCTTGGTC deleted. VCF-style (leftmost placement, unchanged base first): chr9-77226544-TGGTCTTGGTC-T. GRCh37 (hg19) VCF-style: chr9-79841460-TGGTCTTGGTC-T.
Other names: c.1304_1313del, p.Leu434_Trp435insTer (NM_001018037.2, NM_001018038.3, NM_015186.4).
Identifiers: ClinVar variation 1073386 (VCV001073386.9), dbSNP rs2131195627, ClinGen allele CA2499219974.